The following is an entry in ClinVar:

ClinVar aggregate classification (germline): Uncertain significance (1 of 4 stars; one submission).

Submission:

Labcorp Genetics (formerly Invitae), Labcorp
Classification: Uncertain significance. Last evaluated: 2019-11-28. Review status: criteria provided, single submitter. Criteria: Invitae Variant Classification Sherloc (09022015). Collection method: clinical testing. Allele origin: germline.
Comment: In summary, the available evidence is currently insufficient to determine the role of this variant in disease. Therefore, it has been classified as a Variant of Uncertain Significance. Algorithms developed to predict the effect of sequence changes on RNA splicing suggest that this variant may create or strengthen a splice site, but this prediction has not been confirmed by published transcriptional studies. Algorithms developed to predict the effect of missense changes on protein structure and function (SIFT, PolyPhen-2, Align-GVGD) all suggest that this variant is likely to be tolerated, but these predictions have not been confirmed by published functional studies and their clinical significance is uncertain. This variant has not been reported in the literature in individuals with FRMD7-related conditions. This variant is not present in population databases (ExAC no frequency). This sequence change replaces glutamic acid with valine at codon 377 of the FRMD7 protein (p.Glu377Val). The glutamic acid residue is weakly conserved and there is a moderate physicochemical difference between glutamic acid and valine.

NM_194277.3(FRMD7):c.1130A>T (p.Glu377Val)

Gene: FRMD7 (FERM domain containing 7; minus strand). Cytogenetic location: Xq26.2.
Variant type: single nucleotide variant.
Coding change: c.1130A>T on transcript NM_194277.3 (MANE Select); coding-DNA position 1130, A replaced by T.
Protein change: p.Glu377Val; replaces glutamic acid 377 with valine.
Molecular consequence: missense variant.
Genome position (GRCh38, 1-based): chrX:132,078,887, T>A on the plus strand (A>T on the coding strand, the complement: FRMD7 is on the minus strand). VCF-style: chrX-132078887-T-A. GRCh37 (hg19) VCF-style: chrX-131212915-T-A.
Other names: c.1085A>T, p.Glu362Val (NM_001306193.2); short protein forms E377V, E362V.
Identifiers: ClinVar variation 839468 (VCV000839468.9), dbSNP rs750373967, ClinGen allele CA414679776.
Genomic context (GRCh38, chrX:132,078,887, plus strand): 5'-TTGGAATGCTCCAGCTCAGTTGCAAATGTCACCTCCAATGCAGAATTCCTCCTCCTACTC[T>A]CCAGCACTGGCTCAGATGCGTGCACTCCATTCACATTTTGGTAGTAGCCACCACCATATG-3'
Protein context (NP_919253.1, residues 367-387): NGVHASEPVL[Glu377Val]SRRRNSALEV